The following is an entry in ClinVar:

NM_005912.3(MC4R):c.335C>T (p.Thr112Met)

Gene: MC4R (melanocortin 4 receptor; minus strand). Cytogenetic location: 18q21.32.
Variant type: single nucleotide variant.
Coding change: c.335C>T on transcript NM_005912.3 (MANE Select); coding-DNA position 335, C replaced by T.
Protein change: p.Thr112Met; replaces threonine 112 with methionine.
Molecular consequence: missense variant.
Genome position (GRCh38, 1-based): chr18:60,372,015, G>A on the plus strand (C>T on the coding strand, the complement: MC4R is on the minus strand). VCF-style: chr18-60372015-G-A. GRCh37 (hg19) VCF-style: chr18-58039248-G-A.
Other names: short protein forms T112M.
Identifiers: ClinVar variation 712327 (VCV000712327.18), dbSNP rs13447329, ClinGen allele CA8980939.

ClinVar aggregate classification (germline): Conflicting classifications of pathogenicity. Review status: criteria provided, conflicting classifications (1 of 4 stars). 5 submissions from 5 submitters: Uncertain significance (3); Likely benign (2). Last evaluated 2026-08-13.

Conditions:
MC4R-related disorder. Also called: MC4R-related condition.
Early onset severe obesity. Identifiers: MedGen C4013980.
BODY MASS INDEX QUANTITATIVE TRAIT LOCUS 20 (BMIQ20). Also called: MELANOCORTIN 4 RECEPTOR DEFICIENCY; MC4R DEFICIENCY. Identifiers: MedGen C4759928, OMIM 618406.
Obesity. Also called: Obesity disorder. Identifiers: Orphanet 71529, MedGen C0028754, MeSH D009765, MONDO:0011122, HP:0001513.

Allele frequency attached by ClinVar (database versions not stated): ESP Exome Variant Server 0.00046; TOPMed 0.00054; gnomAD 0.00062 and 0.00065; gnomAD exomes 0.00090; ExAC 0.00124.
gnomAD v4.1: 1,152 of 1,614,000 alleles (0.071%); highest among the groups gnomAD compares: Non-Finnish European, 0.081%; 1 homozygote.

Submissions (5):

Cambridge Genomics Laboratory, East Genomic Laboratory Hub, NHS Genomic Medicine Service
Classification: Likely benign for Severe early-onset obesity. Last evaluated: 2026-08-13. Review status: criteria provided, single submitter. Criteria: ACGS Best Practice Guidelines for Variant Classification in Rare Disease 2020. Collection method: clinical testing. Allele origin: germline. Affected: yes.
Comment: BS1_Strong,BP4

PreventionGenetics, part of Exact Sciences
Classification: Uncertain significance for MC4R-related condition. Last evaluated: 2026-07-24. Review status: criteria provided, single submitter. Criteria: ACMG Guidelines, 2015. Collection method: clinical testing. Allele origin: germline.
Comment: The MC4R c.335C>T variant is predicted to result in the amino acid substitution p.Thr112Met. This variant has been reported in a number of individuals with high BMI (see, for example, Hinney et al. 1999. PubMed ID: 10199800; Melchior et al. 2012. PubMed ID: 23146882; Rouskas et al. 2012. PubMed ID: 22447289); however, this variant has also been reported in controls (Calton et al. 2009. PubMed ID: 19091795). At least one functional study supports an effect of this variant on protein function (He and Tao. 2014. PubMed ID: 25332687), but a majority of functional studies show no effect for this change (see, for example, Wade et al. 2021. PubMed ID: 34045736; Hinney et al. 2003. PubMed ID: 12970296). This variant has been reported at frequencies up to 0.2%, including one homozygote, in a large population database (gnomAD). ClinVar has conflicting classifications ranging from likely benign to uncertain (Variation ID: 712327). At this time, the clinical significance of this variant is uncertain due to insufficient functional and genetic evidence.

Labcorp Genetics (formerly Invitae), Labcorp
Classification: Likely benign. Last evaluated: 2025-08-14. Review status: criteria provided, single submitter. Criteria: Invitae Variant Classification Sherloc (09022015). Collection method: clinical testing. Allele origin: germline.

New York Genome Center
Classification: Uncertain significance for BODY MASS INDEX QUANTITATIVE TRAIT LOCUS 20. Last evaluated: 2021-11-17. Review status: criteria provided, single submitter. Criteria: NYGC Assertion Criteria 2020. Collection method: clinical testing. Allele origin: germline. Observed: 1 heterozygote.

Illumina Laboratory Services, Illumina
Classification: Uncertain significance for Inherited obesity. Last evaluated: 2017-04-27. Review status: criteria provided, single submitter. Criteria: ICSL Variant Classification Criteria 13 December 2019. Collection method: clinical testing. Allele origin: germline.
Comment: This variant was observed as part of a predisposition screen in an ostensibly healthy population. A literature search was performed for the gene, cDNA change, and amino acid change (where applicable). Publications were found based on this search. However, the evidence from the literature, in combination with allele frequency data from public databases where available, was not sufficient to rule this variant in or out of causing disease. Therefore, this variant is classified as a variant of unknown significance.

Literature cited by the submitters: PubMed 10078568 (cited by Illumina Laboratory Services, Illumina); PubMed 10199800 (cited by Illumina Laboratory Services, Illumina); PubMed 25332687 (cited by Illumina Laboratory Services, Illumina); PubMed 12690102 (cited by Illumina Laboratory Services, Illumina); PubMed 21404042 (cited by Illumina Laboratory Services, Illumina); PubMed 22447289 (cited by Illumina Laboratory Services, Illumina); PubMed 16231025 (cited by Illumina Laboratory Services, Illumina); PubMed 10903343 (cited by Illumina Laboratory Services, Illumina).